The following is an entry in ClinVar:

ClinVar aggregate classification (germline): Likely benign. Review status: criteria provided, multiple submitters, no conflicts (2 of 4 stars). 3 submissions from 3 submitters: Likely benign (2). 1 of the submissions does not count toward it. Last evaluated 2025-10-06.

Conditions:
KIZ-related disorder. Also called: KIZ-related condition.

Allele frequency attached by ClinVar (database versions not stated): TOPMed 0.00008; ExAC 0.00009; ESP Exome Variant Server 0.00009; gnomAD 0.00010 and 0.00011; 1000 Genomes Project 30x 0.00078; 1000 Genomes Project 0.00080.

Submissions (3):

Labcorp Genetics (formerly Invitae), Labcorp
Classification: Likely benign. Last evaluated: 2025-10-06. Review status: criteria provided, single submitter. Criteria: Invitae Variant Classification Sherloc (09022015). Collection method: clinical testing. Allele origin: germline.

Blueprint Genetics
Classification: Likely benign. Last evaluated: 2024-11-06. Review status: criteria provided, single submitter. Criteria: ACMG Guidelines, 2015. Collection method: clinical testing. Allele origin: germline.

PreventionGenetics, part of Exact Sciences
Classification: Likely benign for KIZ-related condition. Last evaluated: 2024-04-22. Review status: no assertion criteria provided. Collection method: clinical testing. Allele origin: germline. Not counted in ClinVar's aggregate classification.
Comment: This variant is classified as likely benign based on ACMG/AMP sequence variant interpretation guidelines (Richards et al. 2015 PMID: 25741868, with internal and published modifications).

NM_018474.6(KIZ):c.152+10G>A

Gene: KIZ (kizuna centrosomal protein; plus strand). Cytogenetic location: 20p11.23.
Variant type: single nucleotide variant.
Coding change: c.152+10G>A on transcript NM_018474.6 (MANE Select); 10 bases into the intron after coding-DNA position 152, G replaced by A.
Molecular consequence: intron variant.
Genome position (GRCh38, 1-based): chr20:21,132,169, G>A. VCF-style: chr20-21132169-G-A. GRCh37 (hg19) VCF-style: chr20-21112810-G-A.
Other names: c.168+5965G>A (NM_001276389.2); c.-235+10G>A (NM_001352436.2); c.152+10G>A (NM_001352434.2, NM_018474.5); c.6+10G>A (NM_001163022.3, NM_001352435.2, NM_001163023.3).
Identifiers: ClinVar variation 1151958 (VCV001151958.12), dbSNP rs116100129, ClinGen allele CA9784592.